The following is an entry in ClinVar:

NM_012414.4(RAB3GAP2):c.614A>G (p.Asn205Ser)

Gene: RAB3GAP2 (RAB3 GTPase activating non-catalytic protein subunit 2; minus strand). Cytogenetic location: 1q41.
Variant type: single nucleotide variant.
Coding change: c.614A>G on transcript NM_012414.4 (MANE Select); coding-DNA position 614, A replaced by G.
Protein change: p.Asn205Ser; replaces asparagine 205 with serine.
Molecular consequence: missense variant.
Genome position (GRCh38, 1-based): chr1:220,206,005, T>C on the plus strand (A>G on the coding strand, the complement: RAB3GAP2 is on the minus strand). VCF-style: chr1-220206005-T-C. GRCh37 (hg19) VCF-style: chr1-220379347-T-C.
Other names: short protein forms N205S.
Identifiers: ClinVar variation 1525198 (VCV001525198.5), dbSNP rs148476958, ClinGen allele CA1402945.

ClinVar aggregate classification (germline): Uncertain significance (1 of 4 stars; one submission).

Conditions:
Martsolf syndrome (MARTS). Also called: Congenital cataract with intellectual disability and hypogonadotropic hypogonadism syndrome. Identifiers: Orphanet 1387, MedGen C0796037, MONDO:0023910.
Warburg micro syndrome 2 (WARBM2). Also called: MICRO SYNDROME 2. Identifiers: Orphanet 2510, MedGen C3280214, MONDO:0013641, OMIM 614225.

Allele frequency attached by ClinVar (database versions not stated): gnomAD exomes 0.00002 and 0.00004; TOPMed 0.00002; gnomAD 0.00003; ExAC 0.00006; ESP Exome Variant Server 0.00015.
gnomAD v4.1: 26 of 1,578,614 alleles (0.0016%); highest among the groups gnomAD compares: Non-Finnish European, 0.0011%; no homozygotes.

Submission:

Labcorp Genetics (formerly Invitae), Labcorp
Classification: Uncertain significance for Martsolf syndrome; Warburg micro syndrome 2. Last evaluated: 2024-06-03. Review status: criteria provided, single submitter. Criteria: Invitae Variant Classification Sherloc (09022015). Collection method: clinical testing. Allele origin: germline.
Comment: This sequence change replaces asparagine, which is neutral and polar, with serine, which is neutral and polar, at codon 205 of the RAB3GAP2 protein (p.Asn205Ser). This variant is present in population databases (rs148476958, gnomAD 0.02%). This variant has not been reported in the literature in individuals affected with RAB3GAP2-related conditions. ClinVar contains an entry for this variant (Variation ID: 1525198). An algorithm developed to predict the effect of missense changes on protein structure and function (PolyPhen-2) suggests that this variant¬¨‚Ä†is likely to be tolerated. In summary, the available evidence is currently insufficient to determine the role of this variant in disease. Therefore, it has been classified as a Variant of Uncertain Significance.